The following is an entry in ClinVar:

ClinVar aggregate classification (germline): Uncertain significance (1 of 4 stars; one submission).

Conditions:
Myopathy, myofibrillar, 9, with early respiratory failure (MFM9). Also called: Myopathy, distal, with early respiratory failure, autosomal dominant; EDSTROM MYOPATHY; MYOPATHY, PROXIMAL, WITH EARLY RESPIRATORY MUSCLE INVOLVEMENT; Hereditary myopathy with early respiratory failure. Identifiers: Orphanet 178464, Orphanet 34521, MedGen C1863599, MONDO:0011362, OMIM 603689.

Submission:

Baylor Genetics
Classification: Uncertain significance for Myopathy, myofibrillar, 9, with early respiratory failure. Last evaluated: 2020-11-05. Review status: criteria provided, single submitter. Criteria: ACMG Guidelines, 2015. Collection method: clinical testing. Allele origin: unknown. Affected: yes.
Comment: This variant was determined to be of uncertain significance according to ACMG Guidelines, 2015 [PMID:25741868].

NM_001267550.2(TTN):c.99787A>G (p.Thr33263Ala)

Genes: TTN (titin; minus strand), TTN-AS1 (TTN antisense RNA 1; plus strand), LOC126806420 (BRD4-independent group 4 enhancer GRCh37_chr2:179401104-179402303; plus strand). Cytogenetic location: 2q31.2.
Variant type: single nucleotide variant.
Coding change: c.99787A>G on transcript NM_001267550.2 (MANE Select); coding-DNA position 99787, A replaced by G.
Protein change: p.Thr33263Ala; replaces threonine 33263 with alanine.
Molecular consequence: missense variant. On other transcripts: non-coding transcript variant (1).
Genome position (GRCh38, 1-based): chr2:178,537,420, T>C on the plus strand (A>G on the coding strand, the complement: TTN is on the minus strand). VCF-style: chr2-178537420-T-C. GRCh37 (hg19) VCF-style: chr2-179402147-T-C.
Other names: c.94864A>G, p.Thr31622Ala (NM_001256850.1); c.72592A>G, p.Thr24198Ala (NM_003319.4); c.92083A>G, p.Thr30695Ala (NM_133378.4); c.72967A>G, p.Thr24323Ala (NM_133432.3); c.73168A>G, p.Thr24390Ala (NM_133437.4); short protein forms T24323A, T24390A, T30695A, T24198A, T33263A, T31622A.
Identifiers: ClinVar variation 1030168 (VCV001030168.1), dbSNP rs369648529, ClinGen allele CA349427453.